The following is an entry in ClinVar:

ClinVar aggregate classification (germline): Likely benign. Review status: criteria provided, single submitter (1 of 4 stars). 2 submissions from 2 submitters: Likely benign (1). 1 of the submissions does not count toward it. Last evaluated 2022-11-18.

Conditions:
IARS1-related disorder. Also called: IARS1-related condition.

Allele frequency attached by ClinVar (database versions not stated): TOPMed 0.00003; gnomAD exomes 0.00004; gnomAD 0.00007; ExAC 0.00011; 1000 Genomes Project 30x 0.00031; 1000 Genomes Project 0.00040.
gnomAD v4.1: 74 of 1,613,710 alleles (0.0046%); highest among the groups gnomAD compares: East Asian, 0.15%; no homozygotes.

Submissions (2):

Ambry Genetics
Classification: Likely benign. Last evaluated: 2022-11-18. Review status: criteria provided, single submitter. Criteria: Ambry Variant Classification Scheme 2023. Collection method: clinical testing. Allele origin: germline.

PreventionGenetics, part of Exact Sciences
Classification: Likely benign for IARS1-related condition. Last evaluated: 2023-06-08. Review status: no assertion criteria provided. Collection method: clinical testing. Allele origin: germline. Not counted in ClinVar's aggregate classification.
Comment: This variant is classified as likely benign based on ACMG/AMP sequence variant interpretation guidelines (Richards et al. 2015 PMID: 25741868, with internal and published modifications).

NM_002161.6(IARS1):c.1492C>G (p.Leu498Val)

Gene: IARS1 (isoleucyl-tRNA synthetase 1; minus strand). Cytogenetic location: 9q22.31.
Variant type: single nucleotide variant.
Coding change: c.1492C>G on transcript NM_002161.6 (MANE Select); coding-DNA position 1492, C replaced by G.
Protein change: p.Leu498Val; replaces leucine 498 with valine.
Molecular consequence: missense variant. On other transcripts: non-coding transcript variant (1).
Genome position (GRCh38, 1-based): chr9:92,265,493, G>C on the plus strand (C>G on the coding strand, the complement: IARS1 is on the minus strand). VCF-style: chr9-92265493-G-C. GRCh37 (hg19) VCF-style: chr9-95027775-G-C.
Other names: c.1492C>G, p.Leu498Val (NM_001374299.1, NM_001374300.1, NM_001374301.1 and 14 more transcripts); c.1555C>G, p.Leu519Val (NM_001378569.1); c.1513C>G, p.Leu505Val (NM_001378571.1); c.1369C>G, p.Leu457Val (NM_001378583.1); c.1492C>G (NM_013417.2); short protein forms L457V, L498V, L505V, L519V.
Identifiers: ClinVar variation 3032303 (VCV003032303.3), dbSNP rs188980731, ClinGen allele CA5122599.